The following is an entry in ClinVar:

NM_014363.6(SACS):c.2580A>G (p.Gln860=)

Gene: SACS (sacsin molecular chaperone; minus strand). Cytogenetic location: 13q12.12.
Variant type: single nucleotide variant.
Coding change: c.2580A>G on transcript NM_014363.6 (MANE Select); coding-DNA position 2580, A replaced by G.
Protein change: p.Gln860=; no amino-acid change (glutamine 860 retained).
Molecular consequence: synonymous variant.
Genome position (GRCh38, 1-based): chr13:23,341,296, T>C on the plus strand (A>G on the coding strand, the complement: SACS is on the minus strand). VCF-style: chr13-23341296-T-C. GRCh37 (hg19) VCF-style: chr13-23915435-T-C.
Other names: p.Gln860=; c.2139A>G, p.Gln713= (NM_001278055.2).
Identifiers: ClinVar variation 586428 (VCV000586428.63), dbSNP rs41283958, ClinGen allele CA6911665.

ClinVar aggregate classification (germline): Conflicting classifications of pathogenicity. Review status: criteria provided, conflicting classifications (1 of 4 stars). 14 submissions from 14 submitters: Uncertain significance (5); Benign (1); Likely benign (6). 2 of the submissions do not count toward it. Last evaluated 2026-01-28.

Conditions:
SACS-related disorder. Also called: SACS-related condition.
Spastic paraplegia. Identifiers: MedGen C0037772, HP:0001258.
Charlevoix-Saguenay spastic ataxia (SACS). Also called: AUTOSOMAL RECESSIVE SPASTIC ATAXIA OF CHARLEVOIX-SAGUENAY; Spastic ataxia of Charlevoix-Saguenay; SPASTIC ATAXIA 6, AUTOSOMAL RECESSIVE. Identifiers: Orphanet 98, MedGen C1849140, MONDO:0010041, OMIM 270550.
Hereditary spastic paraplegia. Also called: Familial spastic paraparesis. Identifiers: Orphanet 685, MedGen C0037773, MONDO:0019064. Disease mechanism: loss of function.

Allele frequency attached by ClinVar (database versions not stated): 1000 Genomes Project 30x 0.00016; 1000 Genomes Project 0.00020; ExAC 0.00022; ESP Exome Variant Server 0.00031; gnomAD 0.00031 and 0.00034; TOPMed 0.00031; gnomAD exomes 0.00032 and 0.00045.
gnomAD v4.1: 706 of 1,613,150 alleles (0.044%); highest among the groups gnomAD compares: Middle Eastern, 0.26%; 2 homozygotes.

Submissions (14):

Labcorp Genetics (formerly Invitae), Labcorp
Classification: Likely benign for Spastic paraplegia. Last evaluated: 2026-01-28. Review status: criteria provided, single submitter. Criteria: Invitae Variant Classification Sherloc (09022015). Collection method: clinical testing. Allele origin: germline.

PreventionGenetics, part of Exact Sciences
Classification: Likely benign for SACS-related condition. Last evaluated: 2025-12-16. Review status: criteria provided, single submitter. Criteria: ACMG Guidelines, 2015. Collection method: clinical testing. Allele origin: germline.
Comment: This variant is classified as likely benign based on ACMG/AMP sequence variant interpretation guidelines (Richards et al. 2015 PMID: 25741868, with internal and published modifications).

Mayo Clinic Laboratories, Mayo Clinic
Classification: Likely benign. Last evaluated: 2025-06-24. Review status: criteria provided, single submitter. Criteria: ACMG Guidelines, 2015. Collection method: clinical testing. Allele origin: germline. Observed: 3 variant alleles.
Comment: BP4, BP7

Women's Health and Genetics/Laboratory Corporation of America, LabCorp
Classification: Likely benign. Last evaluated: 2025-05-23. Review status: criteria provided, single submitter. Criteria: LabCorp Variant Classification Summary - May 2015. Collection method: clinical testing. Allele origin: germline.

Blueprint Genetics
Classification: Likely benign. Last evaluated: 2024-11-18. Review status: criteria provided, single submitter. Criteria: ACMG Guidelines, 2015. Collection method: clinical testing. Allele origin: germline.

CeGaT Center for Human Genetics Tuebingen
Classification: Likely benign. Last evaluated: 2023-08-01. Review status: criteria provided, single submitter. Criteria: CeGaT Center For Human Genetics Tuebingen Variant Classification Criteria Version 2. Collection method: clinical testing. Allele origin: germline. Affected: yes. Observed: 2 variant alleles.
Comment: SACS: BP4, BP7

Athena Diagnostics
Classification: Benign. Last evaluated: 2022-04-15. Review status: criteria provided, single submitter. Criteria: Athena Diagnostics Criteria. Collection method: clinical testing. Allele origin: unknown.

Genome Diagnostics Laboratory, The Hospital for Sick Children
Classification: Uncertain significance for Hereditary spastic paraplegia. Last evaluated: 2021-08-16. Review status: criteria provided, single submitter. Criteria: ACMG Guidelines, 2015. Collection method: clinical testing. Allele origin: germline. Affected: yes.

Genome-Nilou Lab
Classification: Uncertain significance for Charlevoix-Saguenay spastic ataxia. Last evaluated: 2021-05-18. Review status: criteria provided, single submitter. Criteria: ACMG Guidelines, 2015. Collection method: clinical testing. Allele origin: germline. Affected: no.

Baylor Genetics
Classification: Uncertain significance for Charlevoix-Saguenay spastic ataxia. Last evaluated: 2019-12-20. Review status: criteria provided, single submitter. Criteria: ACMG Guidelines, 2015. Collection method: clinical testing. Allele origin: unknown. Affected: yes.
Comment: This variant was determined to be of uncertain significance according to ACMG Guidelines, 2015 [PMID:25741868].

Fulgent Genetics
Classification: Uncertain significance for Charlevoix-Saguenay spastic ataxia. Last evaluated: 2018-10-31. Review status: criteria provided, single submitter. Criteria: ACMG Guidelines, 2015. Collection method: clinical testing. Allele origin: unknown.

Illumina Laboratory Services, Illumina
Classification: Uncertain significance for Charlevoix-Saguenay spastic ataxia. Last evaluated: 2018-03-16. Review status: criteria provided, single submitter. Criteria: ICSL Variant Classification Criteria 13 December 2019. Collection method: clinical testing. Allele origin: germline.

Natera, Inc.
Classification: Likely benign for Charlevoix-Saguenay type spastic ataxia. Last evaluated: 2020-01-08. Review status: no assertion criteria provided. Collection method: clinical testing. Allele origin: germline. Not counted in ClinVar's aggregate classification.

Department of Pathology and Laboratory Medicine, Sinai Health System
Classification: Uncertain significance. Review status: no assertion criteria provided. Collection method: clinical testing. Allele origin: unknown. Affected: yes. Study: The Canadian Open Genetics Repository (COGR). Not counted in ClinVar's aggregate classification.
Comment: The SACS p.Gln860Gln variant was not identified in the literature nor was it identified in Cosmic. The variant was identified in dbSNP (ID: rs41283958), ClinVar (classified as a VUS by Athena Diagnostics and Fulgent Genetics) and LOVD 3.0 (classified as likely benign). The variant was identified in control databases in 85 of 281874 chromosomes (1 homozygous) at a frequency of 0.000302 (Genome Aggregation Database Feb 27, 2017). The variant was observed in the following populations: Other in 7 of 7184 chromosomes (freq: 0.000974), European (non-Finnish) in 61 of 128904 chromosomes (freq: 0.000473), South Asian in 8 of 30396 chromosomes (freq: 0.000263), Latino in 5 of 35336 chromosomes (freq: 0.000142), African in 3 of 24676 chromosomes (freq: 0.000122) and European (Finnish) in 1 of 25090 chromosomes (freq: 0.00004), while the variant was not observed in the Ashkenazi Jewish, and East Asian populations. The p.Gln860Gln variant is not expected to have clinical significance because it does not result in a change of amino acid and is not located in a known consensus splice site. The variant occurs outside of the splicing consensus sequence and 3 of 4 in silico or computational prediction software programs (MaxEntScan, NNSPLICE, GeneSplicer) do not predict a greater than 10% difference in splicing; this is not very predictive of pathogenicity. In summary, based on the above information the clinical significance of this variant cannot be determined with certainty at this time. This variant is classified as a variant of uncertain significance.